The following is an entry in ClinVar:

NM_170682.4(P2RX2):c.1015A>T (p.Ile339Phe)

Gene: P2RX2 (purinergic receptor P2X 2; plus strand). Cytogenetic location: 12q24.33.
Variant type: single nucleotide variant.
Coding change: c.1015A>T on transcript NM_170682.4 (MANE Select); coding-DNA position 1015, A replaced by T.
Protein change: p.Ile339Phe; replaces isoleucine 339 with phenylalanine.
Molecular consequence: missense variant.
Genome position (GRCh38, 1-based): chr12:132,621,493, A>T. VCF-style: chr12-132621493-A-T. GRCh37 (hg19) VCF-style: chr12-133198079-A-T.
Other names: c.913A>T, p.Ile305Phe (NM_001282164.2); c.1034A>T, p.Asp345Val (NM_001282165.2); c.799A>T, p.Ile267Phe (NM_012226.5); c.943A>T, p.Ile315Phe (NM_016318.4); c.1015A>T, p.Ile339Phe (NM_170683.4, NM_174873.3); c.739A>T, p.Ile247Phe (NM_174872.3); short protein forms I267F, I339F, I315F, D345V, I247F, I305F.
Identifiers: ClinVar variation 505201 (VCV000505201.5), dbSNP rs1555299483, ClinGen allele CA387362014.

ClinVar aggregate classification (germline): Uncertain significance (1 of 4 stars; one submission).

Submission:

Laboratory for Molecular Medicine, Mass General Brigham Personalized Medicine
Classification: Uncertain significance. Last evaluated: 2016-11-17. Review status: criteria provided, single submitter. Criteria: LMM Criteria. Collection method: clinical testing. Allele origin: germline. Inheritance: Autosomal dominant inheritance. Observed: 1 variant allele.
Comment: Variant classified as Uncertain Significance - Favor Pathogenic. This variant was a bsent from large population studies. Computational prediction tools and conserva tion analysis do not provide strong support for or against an impact to the prot ein. In summary, while there is some suspicion for a pathogenic role, the clinic al significance of the p.Ile339Phe variant is uncertain.